The following is an entry in ClinVar:

NM_004958.4(MTOR):c.2467A>T (p.Ile823Phe)

Gene: MTOR (mechanistic target of rapamycin kinase; minus strand). Cytogenetic location: 1p36.22.
Variant type: single nucleotide variant.
Coding change: c.2467A>T on transcript NM_004958.4 (MANE Select); coding-DNA position 2467, A replaced by T.
Protein change: p.Ile823Phe; replaces isoleucine 823 with phenylalanine.
Molecular consequence: missense variant.
Genome position (GRCh38, 1-based): chr1:11,232,483, T>A on the plus strand (A>T on the coding strand, the complement: MTOR is on the minus strand). VCF-style: chr1-11232483-T-A. GRCh37 (hg19) VCF-style: chr1-11292540-T-A.
Other names: c.2467A>T, p.Ile823Phe (NM_001386500.1); c.1219A>T, p.Ile407Phe (NM_001386501.1); short protein forms I823F, I407F.
Identifiers: ClinVar variation 2838025 (VCV002838025.3), dbSNP rs774356623, ClinGen allele CA338383454.

ClinVar aggregate classification (germline): Uncertain significance (1 of 4 stars; one submission).

Submission:

Labcorp Genetics (formerly Invitae), Labcorp
Classification: Uncertain significance. Last evaluated: 2023-02-16. Review status: criteria provided, single submitter. Criteria: Invitae Variant Classification Sherloc (09022015). Collection method: clinical testing. Allele origin: germline.
Comment: This variant has not been reported in the literature in individuals affected with MTOR-related conditions. In summary, the available evidence is currently insufficient to determine the role of this variant in disease. Therefore, it has been classified as a Variant of Uncertain Significance. Advanced modeling of protein sequence and biophysical properties (such as structural, functional, and spatial information, amino acid conservation, physicochemical variation, residue mobility, and thermodynamic stability) performed at Invitae indicates that this missense variant is not expected to disrupt MTOR protein function. This variant is not present in population databases (gnomAD no frequency). This sequence change replaces isoleucine, which is neutral and non-polar, with phenylalanine, which is neutral and non-polar, at codon 823 of the MTOR protein (p.Ile823Phe).